The following is an entry in ClinVar:

ClinVar aggregate classification (germline): Likely benign (1 of 4 stars; one submission).

Allele frequency attached by ClinVar (database versions not stated): 1000 Genomes Project 30x 0.00203; 1000 Genomes Project 0.00220; gnomAD 0.00347 and 0.00381; TOPMed 0.00413.
gnomAD v4.1: 950 of 1,407,136 alleles (0.068%); highest among the groups gnomAD compares: African/African-American, 1.2%; 5 homozygotes.

Submission:

GeneDx
Classification: Likely benign. Last evaluated: 2018-06-16. Review status: criteria provided, single submitter. Criteria: GeneDx Variant Classification (06012015). Collection method: clinical testing. Allele origin: germline. Affected: yes.
Comment: This variant is considered likely benign or benign based on one or more of the following criteria: it is a conservative change, it occurs at a poorly conserved position in the protein, it is predicted to be benign by multiple in silico algorithms, and/or has population frequency not consistent with disease.

NM_018429.3(BDP1):c.7496+80T>C

Gene: BDP1 (BDP1 general transcription factor IIIB subunit; plus strand). Cytogenetic location: 5q13.2.
Variant type: single nucleotide variant.
Coding change: c.7496+80T>C on transcript NM_018429.3 (MANE Select); 80 bases into the intron after coding-DNA position 7496, T replaced by C.
Molecular consequence: intron variant.
Genome position (GRCh38, 1-based): chr5:71,560,317, T>C. VCF-style: chr5-71560317-T-C. GRCh37 (hg19) VCF-style: chr5-70856144-T-C.
Identifiers: ClinVar variation 683306 (VCV000683306.1), dbSNP rs112200932, ClinGen allele CA119993464.